The following is an entry in ClinVar:

NM_138387.4(G6PC3):c.47A>G (p.Gln16Arg)

Gene: G6PC3 (glucose-6-phosphatase catalytic subunit 3; plus strand). Cytogenetic location: 17q21.31.
Variant type: single nucleotide variant.
Coding change: c.47A>G on transcript NM_138387.4 (MANE Select); coding-DNA position 47, A replaced by G.
Protein change: p.Gln16Arg; replaces glutamine 16 with arginine.
Molecular consequence: missense variant. On other transcripts: 5 prime UTR variant (3), intron variant (1).
Genome position (GRCh38, 1-based): chr17:44,071,012, A>G. VCF-style: chr17-44071012-A-G. GRCh37 (hg19) VCF-style: chr17-42148380-A-G.
Other names: c.47A>G, p.Gln16Arg (NM_001319945.2); c.-358A>G (NM_001384165.1); c.-493A>G (NM_001384166.1); c.-483A>G (NM_001384167.1); c.-312+298A>G (NM_001384168.1); short protein forms Q16R.
Identifiers: ClinVar variation 3852369 (VCV003852369.1).

ClinVar aggregate classification (germline): Uncertain significance (1 of 4 stars; one submission).

Conditions:
Inborn genetic diseases. Identifiers: MedGen C0950123, MeSH D030342.

Submission:

Ambry Genetics
Classification: Uncertain significance for Inborn genetic diseases. Last evaluated: 2025-02-14. Review status: criteria provided, single submitter. Criteria: Ambry Variant Classification Scheme 2023. Collection method: clinical testing. Allele origin: germline.
Comment: The p.Q16R variant (also known as c.47A>G), located in coding exon 1 of the G6PC3 gene, results from an A to G substitution at nucleotide position 47. The glutamine at codon 16 is replaced by arginine, an amino acid with highly similar properties. This amino acid position is conserved. In addition, this alteration is predicted to be deleterious by in silico analysis. Based on the available evidence, the clinical significance of this variant remains unclear.